The following is an entry in ClinVar:

NM_000548.5(TSC2):c.2765T>A (p.Leu922Ter)

Gene: TSC2 (TSC complex subunit 2; plus strand). Cytogenetic location: 16p13.3.
Variant type: single nucleotide variant.
Coding change: c.2765T>A on transcript NM_000548.5 (MANE Select); coding-DNA position 2765, T replaced by A.
Protein change: p.Leu922Ter; replaces leucine 922 with a stop codon.
Molecular consequence: nonsense. On other transcripts: non-coding transcript variant (5).
Genome position (GRCh38, 1-based): chr16:2,076,513, T>A. VCF-style: chr16-2076513-T-A. GRCh37 (hg19) VCF-style: chr16-2126514-T-A.
Other names: c.2765T>A, p.Leu922Ter (NM_001077183.3, NM_001114382.3, NM_001363528.2 and 6 more transcripts); c.2654T>A, p.Leu885Ter (NM_001318827.2, NM_001406670.1, NM_001406678.1); c.2618T>A, p.Leu873Ter (NM_001318829.2, NM_001406675.1, NM_001406676.1 and 1 more transcripts); c.2165T>A, p.Leu722Ter (NM_001318831.2, NM_001406680.1, NM_001406682.1 and 6 more transcripts); c.2798T>A, p.Leu933Ter (NM_001318832.2); c.2855T>A, p.Leu952Ter (NM_001406667.1, NM_001406668.1); c.2753T>A, p.Leu918Ter (NM_001406671.1, NM_001406673.1); c.2708T>A, p.Leu903Ter (NM_001406677.1); and 3 more; short protein forms L873*, L922*, L933*, L918*, L952*, L388*, L474*, L722*.
Identifiers: ClinVar variation 2697524 (VCV002697524.3), dbSNP rs2543929566, ClinGen allele CA394279867.

ClinVar aggregate classification (germline): Pathogenic (1 of 4 stars; one submission).

Conditions:
Tuberous sclerosis 2 (TSC2). Identifiers: Orphanet 805, MedGen C1860707, MONDO:0013199, OMIM 613254.

Submission:

Labcorp Genetics (formerly Invitae), Labcorp
Classification: Pathogenic for Tuberous sclerosis 2. Last evaluated: 2023-11-19. Review status: criteria provided, single submitter. Criteria: Invitae Variant Classification Sherloc (09022015). Collection method: clinical testing. Allele origin: germline.
Comment: This sequence change creates a premature translational stop signal (p.Leu922*) in the TSC2 gene. It is expected to result in an absent or disrupted protein product. Loss-of-function variants in TSC2 are known to be pathogenic (PMID: 10205261, 17304050). This variant is not present in population databases (gnomAD no frequency). This variant has not been reported in the literature in individuals affected with TSC2-related conditions. For these reasons, this variant has been classified as Pathogenic.

Literature cited by the submitters: PubMed 10205261; PubMed 17304050.